The following is an entry in ClinVar:

ClinVar aggregate classification (germline): Uncertain significance. Review status: criteria provided, multiple submitters, no conflicts (2 of 4 stars). 5 submissions from 5 submitters: Uncertain significance (5). Last evaluated 2025-03-09.

Conditions:
Dilated cardiomyopathy 1Z (CMD1Z). Identifiers: Orphanet 154, MedGen C2678475, MONDO:0012745, OMIM 611879.
Hypertrophic cardiomyopathy 13. Also called: TNNC1-Related Familial Hypertrophic Cardiomyopathy. Identifiers: MedGen C2750472, MONDO:0013195, OMIM 613243.
Cardiomyopathy (CMYO). Also called: Cardiomyopathies. Identifiers: Orphanet 167848, MedGen C0878544, MONDO:0004994, HP:0001638. Inheritance: Various modes of inheritance.

Allele frequency attached by ClinVar (database versions not stated): ESP Exome Variant Server 0.00008.
gnomAD v4.1: 11 of 1,613,936 alleles (0.00068%); highest among the groups gnomAD compares: Non-Finnish European, 0.00093%; no homozygotes.

Submissions (5):

Labcorp Genetics (formerly Invitae), Labcorp
Classification: Uncertain significance for Hypertrophic cardiomyopathy 13; Dilated cardiomyopathy 1Z. Last evaluated: 2025-03-09. Review status: criteria provided, single submitter. Criteria: Invitae Variant Classification Sherloc (09022015). Collection method: clinical testing. Allele origin: germline.
Comment: This sequence change replaces arginine, which is basic and polar, with leucine, which is neutral and non-polar, at codon 102 of the TNNC1 protein (p.Arg102Leu). This variant is present in population databases (rs143020831, gnomAD 0.002%). This variant has not been reported in the literature in individuals affected with TNNC1-related conditions. ClinVar contains an entry for this variant (Variation ID: 496210). An algorithm developed to predict the effect of missense changes on protein structure and function (PolyPhen-2) suggests that this variant is likely to be tolerated. In summary, the available evidence is currently insufficient to determine the role of this variant in disease. Therefore, it has been classified as a Variant of Uncertain Significance.

GeneDx
Classification: Uncertain significance. Last evaluated: 2022-12-23. Review status: criteria provided, single submitter. Criteria: GeneDx Variant Classification Process June 2021. Collection method: clinical testing. Allele origin: germline. Affected: yes.
Comment: Not observed at significant frequency in large population cohorts (gnomAD); In silico analysis supports that this missense variant has a deleterious effect on protein structure/function; Has not been previously published as pathogenic or benign to our knowledge; This variant is associated with the following publications: (PMID: 33179204)

Revvity Omics, Revvity
Classification: Uncertain significance. Last evaluated: 2020-02-24. Review status: criteria provided, single submitter. Criteria: ACMG Guidelines, 2015. Collection method: clinical testing. Allele origin: germline.

CHEO Genetics Diagnostic Laboratory, Children's Hospital of Eastern Ontario
Classification: Uncertain significance for Cardiomyopathy. Last evaluated: 2019-10-11. Review status: criteria provided, single submitter. Criteria: ACMG Guidelines, 2015. Collection method: clinical testing. Allele origin: germline.

Women's Health and Genetics/Laboratory Corporation of America, LabCorp
Classification: Uncertain significance. Last evaluated: 2016-08-02. Review status: criteria provided, single submitter. Criteria: LabCorp Variant Classification Summary - May 2015. Collection method: clinical testing. Allele origin: germline.
Comment: Variant summary: The TNNC1 c.305G>T (p.Arg102Leu) variant involves the alteration of a conserved nucleotide. 3/4 in silico tools predict a damaging outcome for this variant (SNPs&GO not captured due to low reliability index). This variant is located in the EF-hand domain (InterPro). This variant was found in 2/121136 control chromosomes at a frequency of 0.0000165, which does not exceed the estimated maximal expected allele frequency of a pathogenic TNNC1 variant (0.000025). The variant of interest has not, to our knowledge, been reported in affected individuals via publications and/or clinical diagnostic laboratories, nor evaluated for functional impact by in vivo/vitro studies. Because of the absence of clinical information and the lack of functional studies, the variant is currently classified as a variant of uncertain significance (VUS) until additional information becomes available.

NM_003280.3(TNNC1):c.305G>T (p.Arg102Leu)

Gene: TNNC1 (troponin C1, slow skeletal and cardiac type; minus strand). Cytogenetic location: 3p21.1.
Variant type: single nucleotide variant.
Coding change: c.305G>T on transcript NM_003280.3 (MANE Select); coding-DNA position 305, G replaced by T.
Protein change: p.Arg102Leu; replaces arginine 102 with leucine.
Molecular consequence: missense variant.
Genome position (GRCh38, 1-based): chr3:52,451,756, C>A on the plus strand (G>T on the coding strand, the complement: TNNC1 is on the minus strand). VCF-style: chr3-52451756-C-A. GRCh37 (hg19) VCF-style: chr3-52485772-C-A.
Other names: c.305G>T (LRG_378t1); short protein forms R102L.
Identifiers: ClinVar variation 496210 (VCV000496210.12), dbSNP rs143020831, ClinGen allele CA2438538.
Genomic context (GRCh38, chr3:52,451,756, plus strand): 5'-TCGGCTTGAGTGTGGGTCAGGGTCAGAGGTCAAGGGTCACGTGCTCACTTGTCAAACATG[C>A]GGAAGAGGTCAGACAGCTCCTCCTCAGATTTCCCTTTGCTGTCGTCCTTCATGCACCGAA-3'
Protein context (NP_003271.1, residues 92-112): KSEEELSDLF[Arg102Leu]MFDKNADGYI